The following is an entry in ClinVar:

ClinVar aggregate classification (germline): Pathogenic. Review status: criteria provided, multiple submitters, no conflicts (2 of 4 stars). 17 submissions from 16 submitters: Pathogenic (16). 1 of the submissions does not count toward it. Last evaluated 2026-01-26.

Conditions:
USH2A-related disorder. Also called: USH2A-related condition; USH2A-related disorders. Identifiers: MedGen CN239332.
Rare genetic deafness. Identifiers: Orphanet 96210, MedGen C5680250.
Retinal dystrophy. Also called: Inherited retinal dystrophy. Identifiers: Orphanet 71862, MedGen C0854723, MeSH D058499, MONDO:0019118, HP:0000556.
Retinitis pigmentosa 39 (RP39). Identifiers: Orphanet 791, MedGen C3151138, MONDO:0013436, OMIM 613809.
Usher syndrome type 2A. Also called: USHER SYNDROME, TYPE IIA; RETINAL DISEASE IN USHER SYNDROME TYPE IIA, MODIFIER OF. Identifiers: Orphanet 231178, Orphanet 886, MedGen C1848634, MONDO:0010169, OMIM 276901.

Allele frequency attached by ClinVar (database versions not stated): TOPMed 0.00002; gnomAD exomes 0.00004; ExAC 0.00006.
gnomAD v4.1: 10 of 1,612,094 alleles (0.00062%); highest among the groups gnomAD compares: East Asian, 0.022%; no homozygotes.

Submissions (17):

Medical and Scientific Branch, Hong Kong Genome Institute
Classification: Pathogenic for Usher syndrome type 2A. Last evaluated: 2026-01-26. Review status: criteria provided, single submitter. Criteria: ACMG Guidelines, 2015. Collection method: clinical testing. Allele origin: biparental. Affected: yes.

Labcorp Genetics (formerly Invitae), Labcorp
Classification: Pathogenic. Last evaluated: 2026-01-24. Review status: criteria provided, single submitter. Criteria: Invitae Variant Classification Sherloc (09022015). Collection method: clinical testing. Allele origin: germline.
Comment: This sequence change affects a donor splice site in intron 48 of the USH2A gene. It is expected to disrupt RNA splicing. Variants that disrupt the donor or acceptor splice site typically lead to a loss of protein function (PMID: 16199547), and loss-of-function variants in USH2A are known to be pathogenic (PMID: 10729113, 10909849, 20507924, 25649381). This variant is present in population databases (rs760225886, gnomAD 0.06%). Disruption of this splice site has been observed in individual(s) with Usher syndrome and USH2A-related diseases (PMID: 23737954, 23767834, 24938718). It has also been observed to segregate with disease in related individuals. This variant is also known as IVS48+1G>A. ClinVar contains an entry for this variant (Variation ID: 228418). Algorithms developed to predict the effect of sequence changes on RNA splicing suggest that this variant may disrupt the consensus splice site. For these reasons, this variant has been classified as Pathogenic.

PreventionGenetics, part of Exact Sciences
Classification: Pathogenic for USH2A-related condition. Last evaluated: 2025-12-26. Review status: criteria provided, single submitter. Criteria: ACMG Guidelines, 2015. Collection method: clinical testing. Allele origin: germline.
Comment: The USH2A c.9570+1G>A variant is predicted to disrupt the GT donor site and interfere with normal splicing. This variant was reported in as causative in patients with autosomal recessive Usher syndrome, retinitis pigmentosa or nonsyndromic hearing loss (Qu. 2014. PubMed ID: 25252889; Yang. 2013. PubMed ID: 23767834; Xu. 2014. PubMed ID: 24938718). This variant is reported in 0.054% of alleles in individuals of East Asian descent in gnomAD. Variants that disrupt the consensus splice donor site in USH2A are expected to be pathogenic. This variant is interpreted as pathogenic.

Natera, Inc.
Classification: Pathogenic for Usher syndrome type 2A. Last evaluated: 2025-07-24. Review status: criteria provided, single submitter. Criteria: Natera Variant Classification Schema (03/2026). Collection method: clinical testing. Allele origin: germline.
Comment: The c.9570+1G>A variant in USH2A is a canonical splice donor site variant predicted to affect pre-mRNA splicing, which may result in an abnormal transcript and altered protein product. This variant is expected to result in nonsense mediated decay, truncation, or a dysfunctional protein product. This variant is rare in the general population with a frequency below the threshold expected for the associated phenotype(s). This variant has been observed in one or more individuals affected with the associated recessive disease, as either homozygous or compound heterozygous with a second variant (PMID: 23737954). Additionally, this variant has been observed to segregate in affected family members (PMID: 23737954). Another variant at this same site results in an alteration predicted to cause a similar molecular effect has been observed in individual(s) with the associated phenotype. Given the available evidence, this variant is classified as Pathogenic.

SingHealth Duke-NUS Institute of Precision Medicine
Classification: Pathogenic for Retinitis pigmentosa 39. Last evaluated: 2025-02-05. Review status: criteria provided, single submitter. Criteria: PRISM ACMG Classification Criteria. Collection method: clinical testing. Allele origin: germline. Affected: yes.
Comment: Variant is predicted to cause nonsense-mediated decay in a gene where LOF is a known cause of pathogenicity (PVS1). Variant is not found in gnomAD genomes and homozygous allele count in gnomAD exomes is less than 0 (PM2). Cosegregation with disease phenotypes has been observed in multiple families across multiple studies (PP1, PMID: 30948794;25252889;23737954)

Baylor Genetics
Classification: Pathogenic for Retinitis pigmentosa 39. Last evaluated: 2024-03-03. Review status: criteria provided, single submitter. Criteria: ACMG Guidelines, 2015. Collection method: clinical testing. Allele origin: unknown.

Blueprint Genetics
Classification: Pathogenic for USH2A-related disorders. Last evaluated: 2023-12-09. Review status: criteria provided, single submitter. Criteria: ACMG Guidelines, 2015. Collection method: clinical testing. Allele origin: germline. Affected: yes. Observed: 5 variant alleles.

Dept Of Ophthalmology, Nagoya University
Classification: Pathogenic for Retinal dystrophy. Last evaluated: 2023-10-01. Review status: criteria provided, single submitter. Criteria: Submitter's publication. Collection method: research. Allele origin: germline. Affected: yes.

GeneDx
Classification: Pathogenic. Last evaluated: 2023-04-24. Review status: criteria provided, single submitter. Criteria: GeneDx Variant Classification Process June 2021. Collection method: clinical testing. Allele origin: germline. Affected: yes.
Comment: Canonical splice site variant in a gene for which loss-of-function is a known mechanism of disease; This variant is associated with the following publications: (PMID: 24938718, 23767834, 23737954, 25252889, 30948794, 33111992, 32188678, 34130719, 32675063)

Genome-Nilou Lab
Classification: Pathogenic for Retinitis pigmentosa 39. Last evaluated: 2023-04-11. Review status: criteria provided, single submitter. Criteria: ACMG Guidelines, 2015. Collection method: clinical testing. Allele origin: germline. Affected: no.

Genome-Nilou Lab
Classification: Pathogenic for Usher syndrome type 2A. Last evaluated: 2023-04-11. Review status: criteria provided, single submitter. Criteria: ACMG Guidelines, 2015. Collection method: clinical testing. Allele origin: germline. Affected: no.

3billion
Classification: Pathogenic for Usher syndrome type 2A. Last evaluated: 2022-01-03. Review status: criteria provided, single submitter. Criteria: ACMG Guidelines, 2015. Collection method: clinical testing. Allele origin: germline. Affected: yes. Observed: 1 heterozygote.
Comment: Canonical splice site: predicted to alter splicing and result in a loss or disruption of normal protein function through protein truncation. Multiple pathogenic variants are reported in the predicted truncated region (PVS1_VS).The variant has been reported at least twice as pathogenic/likely pathogenic with clinical assertions and evidence for the classification (ClinVar ID: VCV000228418). It is observed at an extremely low frequency in the gnomAD v2.1.1 dataset (total allele frequency: 0.000040, PM2_M). The variant has been reported to be in trans with a pathogenic variant (NM_206933.4:c.2187C>A) as compound heterozygous (3billion dataset, PM3_M). Therefore, this variant is classified as pathogenic according to the recommendation of ACMG/AMP guideline.

Pangenia Genomics, Pangenia Inc.
Classification: Pathogenic for Retinitis pigmentosa 39. Last evaluated: 2021-11-18. Review status: criteria provided, single submitter. Criteria: ACMG Guidelines, 2015. Collection method: research. Allele origin: unknown. Inheritance: Autosomal recessive inheritance. Affected: yes. Observed: 1 compound heterozygote.
Comment: The USH2A, c.9570+1G>A variant is at a canonical ±1 or 2 splice site, resulting in a null variant. This variant is at extremely low frequency in population database; allele frequency in East Asia population is 0.0005 by gnomAD v2.1.1. This variant is detected in trans with a pathogenic variant [USH2A, c.2802T>G (p.Cys934Trp)]. This variant has been previously reported to be detected in a deaf patient (Usher syndrome), in trans with c.1992_1993insT [PMID: 23767834] and in another two Usher syndrome patients who are from the same family, in trans with c.8559-2A>G [PMID: 25252889]. There is co-segregation with disease in multiple affected family members in a gene definitively known to cause the disease. This variant has been reported to co-segregate with Usher syndrome or RP in at least 4 families [PMID: 23737954, 24938718, 25252889, 3094874]. There are multiple submissions of this variant in ClinVar (Variation ID: 228418), all rated as Pathogenic.

Ocular Genomics Institute, Massachusetts Eye and Ear
Classification: Pathogenic for Retinitis pigmentosa 39. Last evaluated: 2021-04-08. Review status: criteria provided, single submitter. Criteria: ACMG Guidelines, 2015. Collection method: research. Allele origin: germline. Affected: yes.
Comment: Through a review of available evidence we were able to apply the following criteria: PVS1, PM2, PP3, PP1-M. Based on this evidence we have classified this variant as Pathogenic.

Laboratory for Molecular Medicine, Mass General Brigham Personalized Medicine
Classification: Pathogenic for Rare genetic deafness. Last evaluated: 2015-04-17. Review status: criteria provided, single submitter. Criteria: LMM Criteria. Collection method: clinical testing. Allele origin: germline. Inheritance: Autosomal recessive inheritance. Observed: 1 variant allele.
Comment: The c.9570+1G>A variant in USH2A has been reported in 4 Chinese individuals: 2 w ith Usher syndrome, 1 with hearing loss, and 1 with retinitis pigmentosa, and se gregated with disease in at least 3 affected individuals from 3 families (Huang 2013, Yang 2013, Xu 2014, Qu 2014). All of these individuals were compound hete rozygous. In addition, this variant has been identified in 7/8606 of East Asian chromosomes by the Exome Aggregation Consortium (ExAC). Although this variant has been seen in the general population, its freq uency is low enough to be consistent with a recessive carrier frequency. The c.9 570+1G>A variant occurs in the invariant region (+/- 1,2) of the splice consensu s sequence and is predicted to cause altered splicing leading to an abnormal or absent protein. In summary, this variant meets our criteria to be classified as pathogenic for autosomal recessive Usher syndrome (medicine/lmm).

Juno Genomics, Hangzhou Juno Genomics, Inc
Classification: Pathogenic for Retinitis pigmentosa 39; Usher syndrome type 2A. Review status: criteria provided, single submitter. Criteria: ACMG Guidelines, 2015. Collection method: clinical testing. Allele origin: germline. Affected: yes.
Comment: Null variant in a gene where loss of function (LOF) is a known mechanism of disease.;For recessive disorders, detected in trans with a pathogenic variant.;Co-segregation with disease in multiple affected family members in a gene definitively known to cause the disease.

Counsyl
Classification: Pathogenic for Retinitis pigmentosa 39. Last evaluated: 2017-03-13. Review status: no assertion criteria provided. Collection method: clinical testing. Allele origin: unknown. Not counted in ClinVar's aggregate classification.

Literature cited by the submitters: PubMed 16199547 (cited by Labcorp Genetics (formerly Invitae), Labcorp); PubMed 10729113 (cited by Labcorp Genetics (formerly Invitae), Labcorp and Ocular Genomics Institute, Massachusetts Eye and Ear); PubMed 10909849 (cited by Labcorp Genetics (formerly Invitae), Labcorp and Ocular Genomics Institute, Massachusetts Eye and Ear); PubMed 20507924 (cited by Labcorp Genetics (formerly Invitae), Labcorp and Ocular Genomics Institute, Massachusetts Eye and Ear); PubMed 25649381 (cited by Labcorp Genetics (formerly Invitae), Labcorp and Ocular Genomics Institute, Massachusetts Eye and Ear); PubMed 23737954 (cited by 6 submitters); PubMed 23767834 (cited by 4 submitters); PubMed 24938718 (cited by 4 submitters); PubMed 30948794 (cited by SingHealth Duke-NUS Institute of Precision Medicine); PubMed 25252889 (cited by 4 submitters).

NM_206933.4(USH2A):c.9570+1G>A

Gene: USH2A (usherin; minus strand). Cytogenetic location: 1q41.
Variant type: single nucleotide variant.
Coding change: c.9570+1G>A on transcript NM_206933.4 (MANE Select); the canonical splice donor site of the intron after coding-DNA position 9570, G replaced by A.
Molecular consequence: splice donor variant.
Genome position (GRCh38, 1-based): chr1:215,816,996, C>T on the plus strand (G>A on the coding strand, the complement: USH2A is on the minus strand). VCF-style: chr1-215816996-C-T. GRCh37 (hg19) VCF-style: chr1-215990338-C-T.
Other names: c.9570+1G>A (NM_206933.3).
Identifiers: ClinVar variation 228418 (VCV000228418.37), dbSNP rs760225886, ClinGen allele CA1394291.